The following is an entry in ClinVar:

NM_001378.3(DYNC1I2):c.306A>G (p.Gln102=)

Gene: DYNC1I2 (dynein cytoplasmic 1 intermediate chain 2; plus strand). Cytogenetic location: 2q31.1.
Variant type: single nucleotide variant.
Coding change: c.306A>G on transcript NM_001378.3 (MANE Select); coding-DNA position 306, A replaced by G.
Protein change: p.Gln102=; no amino-acid change (glutamine 102 retained).
Molecular consequence: synonymous variant.
Genome position (GRCh38, 1-based): chr2:171,707,348, A>G. VCF-style: chr2-171707348-A-G. GRCh37 (hg19) VCF-style: chr2-172563858-A-G.
Other names: c.306A>G, p.Gln102= (NM_001271785.2); c.342A>G, p.Gln114= (NM_001271786.2, NM_001271787.2); c.288A>G, p.Gln96= (NM_001271788.2, NM_001271789.2, NM_001271790.2 and 5 more transcripts).
Identifiers: ClinVar variation 3025172 (VCV003025172.22), dbSNP rs370644903, ClinGen allele CA1965521.
Genomic context (GRCh38, chr2:171,707,348, plus strand): 5'-CCCTCCTCCTATGTCTCCATCCTCCAAATCTGTGAGCACTCCAAGTGAAGCTGGAAGCCA[A>G]GACTCTGGAGATGGCGCCGTGGGATCTAGGTACAGTAATTTTCCTTTTAATGTTTTAATG-3'
Protein context (NP_001369.1, residues 92-112): SVSTPSEAGS[Gln102=]DSGDGAVGSR

ClinVar aggregate classification (germline): Likely benign (1 of 4 stars; one submission).

Allele frequency attached by ClinVar (database versions not stated): TOPMed 0.00003; ESP Exome Variant Server 0.00008; gnomAD 0.00008; gnomAD exomes 0.00017; ExAC 0.00028; 1000 Genomes Project 0.00040; 1000 Genomes Project 30x 0.00062.
gnomAD v4.1: 261 of 1,613,642 alleles (0.016%); highest among the groups gnomAD compares: South Asian, 0.16%; 9 homozygotes.

Submission:

CeGaT Center for Human Genetics Tuebingen
Classification: Likely benign. Last evaluated: 2025-04-01. Review status: criteria provided, single submitter. Criteria: CeGaT Center For Human Genetics Tuebingen Variant Classification Criteria Version 2. Collection method: clinical testing. Allele origin: germline. Affected: yes. Observed: 2 variant alleles.
Comment: DYNC1I2: BP4, BP7